The following is an entry in ClinVar:

NM_001142864.4(PIEZO1):c.2608A>G (p.Met870Val)

Genes: PIEZO1 (piezo type mechanosensitive ion channel component 1; minus strand), LOC100289580 (uncharacterized LOC100289580; plus strand). Cytogenetic location: 16q24.3.
Variant type: single nucleotide variant.
Coding change: c.2608A>G on transcript NM_001142864.4 (MANE Select); coding-DNA position 2608, A replaced by G.
Protein change: p.Met870Val; replaces methionine 870 with valine.
Molecular consequence: missense variant.
Genome position (GRCh38, 1-based): chr16:88,733,334, T>C on the plus strand (A>G on the coding strand, the complement: PIEZO1 is on the minus strand). VCF-style: chr16-88733334-T-C. GRCh37 (hg19) VCF-style: chr16-88799742-T-C.
Other names: c.2608A>G, p.Met870Val (LRG_1137t1); short protein forms M870V.
Identifiers: ClinVar variation 430260 (VCV000430260.2), dbSNP rs1131691867, ClinGen allele CA397111654.

ClinVar aggregate classification (germline): Likely pathogenic (1 of 4 stars; one submission).

Submission:

GeneDx
Classification: Likely pathogenic. Last evaluated: 2015-11-08. Review status: criteria provided, single submitter. Criteria: GeneDx Variant Classification (06012015). Collection method: clinical testing. Allele origin: germline. Affected: yes.
Comment: The M870V variant in the PIEZO1 gene has not been reported previously as a pathogenic variant, nor as a benign variant, to our knowledge. The M870V variant was not observed in approximately 2300 individuals of European and African American ancestry in the NHLBI Exome Sequencing Project, indicating it is not a common benign variant in these populations. The M870V variant is a conservative amino acid substitution, which is not likely to impact secondary protein structure as these residues share similar properties. However, this substitution occurs at a position that is conserved across species, and in silico analysis predicts this variant is probably damaging to the protein structure/function. The de novo M870V variant is a strong candidate for a pathogenic variant,however the possibility it may be a rare benign variant cannot be excluded.